The following is an entry in ClinVar:

NM_001009944.3(PKD1):c.11816G>A (p.Trp3939Ter)

Gene: PKD1 (polycystin 1, transient receptor potential channel interacting; minus strand). Cytogenetic location: 16p13.3.
Variant type: single nucleotide variant.
Coding change: c.11816G>A on transcript NM_001009944.3 (MANE Select); coding-DNA position 11816, G replaced by A.
Protein change: p.Trp3939Ter; replaces tryptophan 3939 with a stop codon.
Molecular consequence: nonsense.
Genome position (GRCh38, 1-based): chr16:2,091,071, C>T on the plus strand (G>A on the coding strand, the complement: PKD1 is on the minus strand). VCF-style: chr16-2091071-C-T. GRCh37 (hg19) VCF-style: chr16-2141072-C-T.
Other names: c.11813G>A, p.Trp3938Ter (NM_000296.4); short protein forms W3938*, W3939*.
Identifiers: ClinVar variation 2500361 (VCV002500361.2), dbSNP rs2544599226, ClinGen allele CA394329773.
Genomic context (GRCh38, chr16:2,091,071, plus strand): 5'-GCGGCACCCAGCTGGGCGAGGCGTACCAGTGCCGTGGCCGCCGTCAGCGCCACCAGCAGC[C>T]ACCGCGCCCAGGCTCCGAGCCGCAGCACGCGCCAGCGCCCTTCCCTGTGCCAAGTACGGG-3'

ClinVar aggregate classification (germline): Pathogenic. Review status: criteria provided, multiple submitters, no conflicts (2 of 4 stars). 2 submissions from 2 submitters: Pathogenic (2). Last evaluated 2022-11-02.

Conditions:
PKD1-related disorder. Also called: PKD1-related condition.

Submissions (2):

GeneDx
Classification: Pathogenic. Last evaluated: 2022-11-02. Review status: criteria provided, single submitter. Criteria: GeneDx Variant Classification Process June 2021. Collection method: clinical testing. Allele origin: germline. Affected: yes.
Comment: Nonsense variant predicted to result in protein truncation or nonsense mediated decay in a gene for which loss of function is a known mechanism of disease; Not observed at significant frequency in large population cohorts (gnomAD); This variant is associated with the following publications: (PMID: 30042192, 29520754, 30820006)

Blueprint Genetics
Classification: Pathogenic for PKD1-related disorders. Last evaluated: 2022-06-03. Review status: criteria provided, single submitter. Criteria: ACMG Guidelines, 2015. Collection method: clinical testing. Allele origin: germline. Affected: yes. Observed: 1 variant allele.